The following is an entry in ClinVar:

ClinVar aggregate classification (germline): Conflicting classifications of pathogenicity. Review status: criteria provided, conflicting classifications (1 of 4 stars). 3 submissions from 3 submitters: Uncertain significance (2); Likely benign (1). Last evaluated 2018-05-07.

Conditions:
Cardiovascular phenotype. Identifiers: MedGen CN230736.
Dilated cardiomyopathy 1G (CMD1G). Identifiers: Orphanet 154, MedGen C1858763, MONDO:0011400, OMIM 604145.
Autosomal recessive limb-girdle muscular dystrophy type 2J (LGMDR10). Also called: MUSCULAR DYSTROPHY, LIMB-GIRDLE, AUTOSOMAL RECESSIVE 10; Limb-girdle muscular dystrophy, type 2J. Identifiers: Orphanet 140922, MedGen C1837342, MONDO:0012127, OMIM 608807.

Allele frequency attached by ClinVar (database versions not stated): gnomAD exomes below 0.00001; TOPMed below 0.00001; gnomAD 0.00001.
gnomAD v4.1: 2 of 1,613,824 alleles (0.00012%); highest among the groups gnomAD compares: African/African-American, 0.0027%; no homozygotes.

Submissions (3):

GeneDx
Classification: Likely benign. Last evaluated: 2018-05-07. Review status: criteria provided, single submitter. Criteria: GeneDx Variant Classification (06012015). Collection method: clinical testing. Allele origin: germline. Affected: yes.
Comment: This variant is considered likely benign or benign based on one or more of the following criteria: it is a conservative change, it occurs at a poorly conserved position in the protein, it is predicted to be benign by multiple in silico algorithms, and/or has population frequency not consistent with disease.

Labcorp Genetics (formerly Invitae), Labcorp
Classification: Uncertain significance for Dilated cardiomyopathy 1G; Autosomal recessive limb-girdle muscular dystrophy type 2J. Last evaluated: 2017-11-06. Review status: criteria provided, single submitter. Criteria: Invitae Variant Classification Sherloc (09022015). Collection method: clinical testing. Allele origin: germline.

Ambry Genetics
Classification: Uncertain significance for Cardiovascular phenotype. Last evaluated: 2015-10-23. Review status: criteria provided, single submitter. Criteria: Ambry Variant Classification Scheme 2023. Collection method: clinical testing. Allele origin: germline.
Comment: The p.K20988N variant (also known as c.62964A>C), located in coding exon 162 of the TTN gene, results from an A to C substitution at nucleotide position 62964. The lysine at codon 20988 is replaced by asparagine, an amino acid with similar properties. This variant was not reported in population based cohorts in the following databases: Database of Single Nucleotide Polymorphisms (dbSNP), NHLBI Exome Sequencing Project (ESP), and 1000 Genomes Project. In the ESP, this variant was not observed in 6175 samples (12350 alleles) with coverage at this position. This amino acid position is well conserved in available vertebrate species. In addition, this alteration is predicted to be tolerated by in silico analysis. Since supporting evidence is limited at this time, the clinical significance of this variant remains unclear.

NM_001267550.2(TTN):c.90159A>C (p.Lys30053Asn)

Genes: TTN-AS1 (TTN antisense RNA 1; plus strand), TTN (titin; minus strand). Cytogenetic location: 2q31.2.
Variant type: single nucleotide variant.
Coding change: c.90159A>C on transcript NM_001267550.2 (MANE Select); coding-DNA position 90159, A replaced by C.
Protein change: p.Lys30053Asn; replaces lysine 30053 with asparagine.
Molecular consequence: missense variant.
Genome position (GRCh38, 1-based): chr2:178,552,741, T>G on the plus strand (A>C on the coding strand, the complement: TTN is on the minus strand). VCF-style: chr2-178552741-T-G. GRCh37 (hg19) VCF-style: chr2-179417468-T-G.
Other names: c.85236A>C, p.Lys28412Asn (NM_001256850.1); c.62964A>C, p.Lys20988Asn (NM_003319.4); c.82455A>C, p.Lys27485Asn (NM_133378.4); c.63339A>C, p.Lys21113Asn (NM_133432.3); c.63540A>C, p.Lys21180Asn (NM_133437.4); short protein forms K20988N, K30053N, K28412N, K21113N, K21180N, K27485N.
Identifiers: ClinVar variation 264301 (VCV000264301.8), dbSNP rs886039117, ClinGen allele CA10587455.